The following is an entry in ClinVar:

ClinVar aggregate classification (germline): Pathogenic (1 of 4 stars; one submission).

Conditions:
Alstrom syndrome (ALMS). Identifiers: Orphanet 64, MedGen C0268425, MONDO:0008763, OMIM 203800.

Submission:

Labcorp Genetics (formerly Invitae), Labcorp
Classification: Pathogenic for Alstrom syndrome. Last evaluated: 2024-10-25. Review status: criteria provided, single submitter. Criteria: Invitae Variant Classification Sherloc (09022015). Collection method: clinical testing. Allele origin: germline.
Comment: This sequence change creates a premature translational stop signal (p.Arg4015Glyfs*33) in the ALMS1 gene. It is expected to result in an absent or disrupted protein product. Loss-of-function variants in ALMS1 are known to be pathogenic (PMID: 17594715). This variant is not present in population databases (gnomAD no frequency). This variant has not been reported in the literature in individuals affected with ALMS1-related conditions. ClinVar contains an entry for this variant (Variation ID: 2133588). For these reasons, this variant has been classified as Pathogenic.

Literature cited by the submitters: PubMed 17594715.

NM_001378454.1(ALMS1):c.12040_12041del (p.Arg4014fs)

Genes: ALMS1 (ALMS1 centrosome and basal body associated protein; plus strand), LOC126806252 (BRD4-independent group 4 enhancer GRCh37_chr2:73828496-73829695; plus strand). Cytogenetic location: 2p13.1.
Variant type: Deletion.
Coding change: c.12040_12041del on transcript NM_001378454.1 (MANE Select); coding-DNA positions 12040 to 12041, 2 bases deleted (CG; older notation c.12040_12041delCG).
Protein change: p.Arg4014fs; shifts the reading frame from arginine 4014.
Molecular consequence: frameshift variant.
Genome position (GRCh38, 1-based): chr2:73,601,362-73,601,363, CG deleted. VCF-style (leftmost placement, unchanged base first): chr2-73601361-TCG-T. GRCh37 (hg19) VCF-style: chr2-73828488-TCG-T.
Other names: c.12043_12044del, p.Arg4015fs (NM_015120.4); short protein forms R4014fs, R4015fs.
Identifiers: ClinVar variation 2133588 (VCV002133588.4), dbSNP rs2466522819, ClinGen allele CA2580068177.
Genomic context (GRCh38, chr2:73,601,361, plus strand): 5'-GACCAGACCCTGGAGGGAGCCACTGCGGGAGCAGAACTGTCAGGGGCAGCACCTGGACGG[TCG>T]GGGCTACCTGGCAGGCCCAGGCAGAGAGGCTGGCAGAGACCTACTGAGGCCATTTGTGAG-3'